The following is an entry in ClinVar:

ClinVar aggregate classification (germline): Uncertain significance. Review status: criteria provided, single submitter (1 of 4 stars). 2 submissions from 2 submitters: Uncertain significance (1). 1 of the submissions does not count toward it. Last evaluated 2025-07-24.

Conditions:
DNMT3A-related disorder. Also called: DNMT3A-related disorders; DNMT3A-related condition.

gnomAD v4.1: 2 of 1,600,180 alleles (0.00012%); highest among the groups gnomAD compares: Non-Finnish European, 0.000085%; no homozygotes.

Submissions (2):

GeneDx
Classification: Uncertain significance. Last evaluated: 2025-07-24. Review status: criteria provided, single submitter. Criteria: GeneDx Variant Classification Process June 2021. Collection method: clinical testing. Allele origin: germline. Affected: yes.
Comment: In silico analysis supports that this missense variant has a deleterious effect on protein structure/function; Has not been previously published as pathogenic or benign to our knowledge

PreventionGenetics, part of Exact Sciences
Classification: Uncertain significance for DNMT3A-related condition. Last evaluated: 2024-01-02. Review status: no assertion criteria provided. Collection method: clinical testing. Allele origin: germline. Not counted in ClinVar's aggregate classification.
Comment: The DNMT3A c.235G>A variant is predicted to result in the amino acid substitution p.Ala79Thr. To our knowledge, this variant has not been reported in the literature. This variant is reported in 0.0018% of alleles in individuals of European (Non-Finnish) descent in gnomAD. At this time, the clinical significance of this variant is uncertain due to the absence of conclusive functional and genetic evidence.

NM_022552.5(DNMT3A):c.235G>A (p.Ala79Thr)

Gene: DNMT3A (DNA methyltransferase 3 alpha; minus strand). Cytogenetic location: 2p23.3.
Variant type: single nucleotide variant.
Coding change: c.235G>A on transcript NM_022552.5 (MANE Select); coding-DNA position 235, G replaced by A.
Protein change: p.Ala79Thr; replaces alanine 79 with threonine.
Molecular consequence: missense variant. On other transcripts: non-coding transcript variant (1).
Genome position (GRCh38, 1-based): chr2:25,282,654, C>T on the plus strand (G>A on the coding strand, the complement: DNMT3A is on the minus strand). VCF-style: chr2-25282654-C-T. GRCh37 (hg19) VCF-style: chr2-25505523-C-T.
Other names: c.235G>A, p.Ala79Thr (NM_001320892.2, NM_175629.2, NM_175630.1); short protein forms A79T.
Identifiers: ClinVar variation 3354060 (VCV003354060.2).
Genomic context (GRCh38, chr2:25,282,654, plus strand): 5'-GCTCACTCCGCTTCTCCAAGTCCCCATTGGGTAATAGCTCTGAGGCGCCTGAGTCCTGGG[C>T]CATGGATGGGGACTTGGAGATCACCGCAGGGTCCTTTGGCGTGTCACCGCTTTCCACCTG-3'
Protein context (NP_072046.2, residues 69-89): PAVISKSPSM[Ala79Thr]QDSGASELLP